The following is an entry in ClinVar:

ClinVar aggregate classification (germline): Likely pathogenic (1 of 4 stars; one submission).

Conditions:
BBS9-related disorder. Also called: BBS9-related condition.

Submission:

PreventionGenetics, part of Exact Sciences
Classification: Likely pathogenic for BBS9-related condition. Last evaluated: 2025-04-14. Review status: criteria provided, single submitter. Criteria: ACMG Guidelines, 2015. Collection method: clinical testing. Allele origin: germline.
Comment: The BBS9 c.685delT variant is predicted to result in a frameshift and premature protein termination (p.Ser229Leufs*5). To our knowledge, this variant has not been reported in the literature or in a large population database (gnomAD), indicating this variant is rare. Frameshift variants in BBS9 are expected to be pathogenic. This variant is interpreted as likely pathogenic.

NM_198428.3(BBS9):c.685del (p.Ser229fs)

Gene: BBS9 (Bardet-Biedl syndrome 9; plus strand). Cytogenetic location: 7p14.3.
Variant type: Deletion.
Coding change: c.685del on transcript NM_198428.3 (MANE Select); coding-DNA position 685, one base deleted (T; older notation c.685delT).
Protein change: p.Ser229fs; shifts the reading frame from serine 229.
Molecular consequence: frameshift variant. On other transcripts: non-coding transcript variant (3).
Genome position (GRCh38, 1-based): chr7:33,264,357, T deleted; the last of 2 consecutive T bases (chr7:33,264,356-33,264,357); deleting either gives the same sequence. VCF-style (leftmost placement, unchanged base first): chr7-33264355-GT-G. GRCh37 (hg19) VCF-style: chr7-33303967-GT-G.
Other names: c.685del, p.Ser229fs (NM_001348040.3, NM_001348041.4, NM_001348043.3 and 5 more transcripts); c.550del, p.Ser184fs (NM_001348042.3); c.319del, p.Ser107fs (NM_001348044.3, NM_001348045.3, NM_001348046.3 and 1 more transcripts); c.412del, p.Ser138fs (NM_001348038.3, NM_001348039.3); short protein forms S229fs, S184fs, S107fs, S138fs.
Identifiers: ClinVar variation 4998091 (VCV004998091.1).